The following is an entry in ClinVar:

NM_001374736.1(DST):c.14311-6T>G

Gene: DST (dystonin; minus strand). Cytogenetic location: 6p12.1.
Variant type: single nucleotide variant.
Coding change: c.14311-6T>G on transcript NM_001374736.1 (MANE Select); 6 bases into the intron before coding-DNA position 14311, T replaced by G.
Molecular consequence: intron variant.
Genome position (GRCh38, 1-based): chr6:56,560,429, A>C on the plus strand (T>G on the coding strand, the complement: DST is on the minus strand). VCF-style: chr6-56560429-A-C. GRCh37 (hg19) VCF-style: chr6-56425227-A-C.
Other names: p.?; c.7954-6T>G (NM_001144769.5); c.14311-6T>G (NM_001374722.1); c.14338-6T>G (NM_001374734.1); c.7540-6T>G (NM_001144770.2); c.7420-6T>G (NM_001374730.1, NM_001386100.1, NM_183380.4); c.13678-6T>G (NM_001374729.1); c.6442-6T>G (NM_015548.5).
Identifiers: ClinVar variation 1761365 (VCV001761365.22), dbSNP rs375787839, ClinGen allele CA3868048.
Genomic context (GRCh38, chr6:56,560,429, plus strand): 5'-TGTCTTTCAACTCCTGTACTTTGTTTACATTCTGCTTCAGTTCTGCCTCAAACGACTAAC[A>C]AGGGAAAAATAATAATAAATCATGTGTACAGCAAAAGACAAAAATACAATAATGATAGAG-3'

ClinVar aggregate classification (germline): Benign/Likely benign. Review status: criteria provided, multiple submitters, no conflicts (2 of 4 stars). 5 submissions from 5 submitters: Benign (1); Likely benign (4). Last evaluated 2025-07-25.

Conditions:
Inborn genetic diseases. Identifiers: MedGen C0950123, MeSH D030342.
DST-related disorder. Also called: DST-related condition; DST-related disorders.
Epidermolysis bullosa simplex 3, localized or generalized intermediate, with BP230 deficiency (EBS3). Also called: Epidermolysis bullosa simplex due to BP230 deficiency; Epidermolysis bullosa simplex, autosomal recessive 2. Identifiers: Orphanet 412181, MedGen C3809470, MONDO:0014180, OMIM 615425.
Hereditary sensory and autonomic neuropathy type 6. Also called: HSAN VI; Neuropathy, hereditary sensory and autonomic, type VI. Identifiers: Orphanet 314381, MedGen C3539003, MONDO:0013839, OMIM 614653.

Allele frequency attached by ClinVar (database versions not stated): TOPMed 0.00003; gnomAD 0.00009; gnomAD exomes 0.00025; ExAC 0.00095.
gnomAD v4.1: 372 of 1,585,336 alleles (0.023%); highest among the groups gnomAD compares: South Asian, 0.39%; 3 homozygotes.

Submissions (5):

PreventionGenetics, part of Exact Sciences
Classification: Likely benign for DST-related condition. Last evaluated: 2025-07-25. Review status: criteria provided, single submitter. Criteria: ACMG Guidelines, 2015. Collection method: clinical testing. Allele origin: germline.
Comment: This variant is classified as likely benign based on ACMG/AMP sequence variant interpretation guidelines (Richards et al. 2015 PMID: 25741868, with internal and published modifications).

Labcorp Genetics (formerly Invitae), Labcorp
Classification: Benign for Epidermolysis bullosa simplex 3, localized or generalized intermediate, with BP230 deficiency; Hereditary sensory and autonomic neuropathy type 6. Last evaluated: 2025-05-11. Review status: criteria provided, single submitter. Criteria: Invitae Variant Classification Sherloc (09022015). Collection method: clinical testing. Allele origin: germline.

CeGaT Center for Human Genetics Tuebingen
Classification: Likely benign. Last evaluated: 2025-01-01. Review status: criteria provided, single submitter. Criteria: CeGaT Center For Human Genetics Tuebingen Variant Classification Criteria Version 2. Collection method: clinical testing. Allele origin: germline. Affected: yes. Observed: 1 variant allele.
Comment: DST: BP4

Mayo Clinic Laboratories, Mayo Clinic
Classification: Likely benign. Last evaluated: 2024-12-30. Review status: criteria provided, single submitter. Criteria: ACMG Guidelines, 2015. Collection method: clinical testing. Allele origin: germline. Observed: 1 variant allele.
Comment: BS1, BP4, BP7

Ambry Genetics
Classification: Likely benign for Inborn genetic diseases. Last evaluated: 2020-03-23. Review status: criteria provided, single submitter. Criteria: Ambry Variant Classification Scheme 2023. Collection method: clinical testing. Allele origin: germline.